The following is an entry in ClinVar:

NM_006908.5(RAC1):c.420G>A (p.Pro140=)

Gene: RAC1 (Rac family small GTPase 1; plus strand). Cytogenetic location: 7p22.1.
Variant type: single nucleotide variant.
Coding change: c.420G>A on transcript NM_006908.5 (MANE Select); coding-DNA position 420, G replaced by A.
Protein change: p.Pro140=; no amino-acid change (proline 140 retained).
Molecular consequence: synonymous variant.
Genome position (GRCh38, 1-based): chr7:6,401,999, G>A. VCF-style: chr7-6401999-G-A. GRCh37 (hg19) VCF-style: chr7-6441630-G-A.
Other names: c.477G>A, p.Pro159= (NM_018890.4).
Identifiers: ClinVar variation 2657298 (VCV002657298.24), dbSNP rs11540456, ClinGen allele CA4153756.

ClinVar aggregate classification (germline): Likely benign (1 of 4 stars; one submission).

Allele frequency attached by ClinVar (database versions not stated): ESP Exome Variant Server 0.00015; TOPMed 0.00015; gnomAD 0.00035; ExAC 0.00098; 1000 Genomes Project 0.00120; 1000 Genomes Project 30x 0.00125.
gnomAD v4.1: 678 of 1,614,002 alleles (0.042%); highest among the groups gnomAD compares: South Asian, 0.56%; 5 homozygotes.

Submission:

CeGaT Center for Human Genetics Tuebingen
Classification: Likely benign. Last evaluated: 2023-03-01. Review status: criteria provided, single submitter. Criteria: CeGaT Center For Human Genetics Tuebingen Variant Classification Criteria Version 2. Collection method: clinical testing. Allele origin: germline. Affected: yes. Observed: 1 variant allele.
Comment: RAC1: BP4, BP7